The following is an entry in ClinVar:

ClinVar aggregate classification (germline): Uncertain significance (1 of 4 stars; one submission).

gnomAD v4.1: 1 of 1,588,638 alleles (0.000063%); no homozygotes.

Submission:

Ambry Genetics
Classification: Uncertain significance. Last evaluated: 2025-08-05. Review status: criteria provided, single submitter. Criteria: Ambry Variant Classification Scheme 2023. Collection method: clinical testing. Allele origin: germline.
Comment: The p.T405I variant (also known as c.1214C>T), located in coding exon 11 of the GEN1 gene, results from a C to T substitution at nucleotide position 1214. The threonine at codon 405 is replaced by isoleucine, an amino acid with similar properties. This amino acid position is conserved. In addition, this alteration is predicted to be tolerated by in silico analysis. Based on the available evidence, the clinical significance of this variant remains unclear.

NM_001130009.3(GEN1):c.1214C>T (p.Thr405Ile)

Gene: GEN1 (GEN1 Holliday junction 5' flap endonuclease; plus strand). Cytogenetic location: 2p24.2.
Variant type: single nucleotide variant.
Coding change: c.1214C>T on transcript NM_001130009.3 (MANE Select); coding-DNA position 1214, C replaced by T.
Protein change: p.Thr405Ile; replaces threonine 405 with isoleucine.
Molecular consequence: missense variant.
Genome position (GRCh38, 1-based): chr2:17,778,013, C>T. VCF-style: chr2-17778013-C-T. GRCh37 (hg19) VCF-style: chr2-17959280-C-T.
Other names: c.1214C>T, p.Thr405Ile (NM_182625.5); short protein forms T405I.
Identifiers: ClinVar variation 4263062 (VCV004263062.1).
Genomic context (GRCh38, chr2:17,778,013, plus strand): 5'-TCCAAATATCTTATGCAATTAGACTTCATTAAATGAATTTGTTTTTCAGAATTGTTAAGA[C>T]TCGAATCAGAAATGGAGTTCATTGTTTTGAAATAGAATGGGAAAAGCCTGGTATGTATTC-3'
Protein context (NP_001123481.3, residues 395-415): NQLQPIRIVK[Thr405Ile]RIRNGVHCFE